The following is an entry in ClinVar:

ClinVar aggregate classification (germline): Likely pathogenic (1 of 4 stars; one submission).

Conditions:
Congenital hyperammonemia, type I. Also called: Carbamoyl phosphate synthetase I deficiency disease; CPS I DEFICIENCY; Carbamoyl phosphate synthetase 1 deficiency; Hyperammonemia due to carbamoyl phosphate synthetase 1 deficiency; CPS 1 deficiency; Carbamyl phosphate synthetase (CPS) deficiency. Identifiers: Orphanet 147, MedGen C4082171, MONDO:0009376, OMIM 237300.

Submission:

Myriad Genetics, Inc.
Classification: Likely pathogenic for Congenital hyperammonemia, type I. Last evaluated: 2022-05-30. Review status: criteria provided, single submitter. Criteria: Myriad Women's Health Autosomal Recessive and X-Linked Classification Criteria (2021). Collection method: clinical testing. Allele origin: unknown.
Comment: NM_001875.4(CPS1):c.3038_3039delTG(V1013Efs*5) is expected to be pathogenic in the context of carbamoylphosphate synthetase I deficiency. This variant is predicted to lead to an abnormal or absent protein product due to the creation of a premature termination codon in CPS1, a gene where loss-of-function variants are known to be pathogenic. Please note: this variant was assessed in the context of healthy population screening.

NM_001875.5(CPS1):c.3038_3039del (p.Val1013fs)

Gene: CPS1 (carbamoyl-phosphate synthase 1; plus strand). Cytogenetic location: 2q34.
Variant type: Deletion.
Coding change: c.3038_3039del on transcript NM_001875.5 (MANE Select); coding-DNA positions 3038 to 3039, 2 bases deleted (TG; older notation c.3038_3039delTG).
Protein change: p.Val1013fs; shifts the reading frame from valine 1013.
Molecular consequence: frameshift variant. On other transcripts: non-coding transcript variant (2).
Genome position (GRCh38, 1-based): chr2:210,642,562-210,642,563, TG deleted; deleting any 2 consecutive bases within chr2:210,642,561-210,642,563 gives the same sequence; the c. name uses the placement nearest the transcript's 3' end. VCF-style (leftmost placement, unchanged base first): chr2-210642560-GGT-G. GRCh37 (hg19) VCF-style: chr2-211507284-GGT-G.
Other names: c.3038_3039del, p.Val1013fs (NM_001122633.3, NM_001369257.1); c.3071_3072del, p.Val1024fs (NM_001369256.1); short protein forms V1013fs, V1024fs.
Identifiers: ClinVar variation 1726248 (VCV001726248.2), dbSNP rs2469275756, ClinGen allele CA2580065563.